The following is an entry in ClinVar:

ClinVar aggregate classification (germline): Benign. Review status: criteria provided, multiple submitters, no conflicts (2 of 4 stars). 3 submissions from 3 submitters: Benign (3). Last evaluated 2021-09-10.

Conditions:
Microphthalmia, isolated, with coloboma 9 (MCOPCB9). Identifiers: Orphanet 98938, MedGen C3554592, MONDO:0014059, OMIM 615145.

Allele frequency attached by ClinVar (database versions not stated): ESP Exome Variant Server 0.32746; gnomAD 0.34515 and 0.35158; TOPMed 0.35557; 1000 Genomes Project 30x 0.38804; 1000 Genomes Project 0.39597; gnomAD exomes 0.40146 and 0.42064; ExAC 0.41002.
gnomAD v4.1: 638,072 of 1,605,964 alleles (40%); highest among the groups gnomAD compares: East Asian, 63%; 130,776 homozygotes.

Submissions (3):

Genome-Nilou Lab
Classification: Benign for Microphthalmia, isolated, with coloboma 9. Last evaluated: 2021-09-10. Review status: criteria provided, single submitter. Criteria: ACMG Guidelines, 2015. Collection method: clinical testing. Allele origin: germline. Affected: no.

GeneDx
Classification: Benign. Last evaluated: 2018-06-19. Review status: criteria provided, single submitter. Criteria: GeneDx Variant Classification (06012015). Collection method: clinical testing. Allele origin: germline. Affected: yes.
Comment: This variant is considered likely benign or benign based on one or more of the following criteria: it is a conservative change, it occurs at a poorly conserved position in the protein, it is predicted to be benign by multiple in silico algorithms, and/or has population frequency not consistent with disease.

Breakthrough Genomics
Classification: Benign. Review status: criteria provided, single submitter. Criteria: ACMG Guidelines, 2015. Collection method: not provided. Allele origin: germline. Inheritance: Autosomal recessive inheritance. Affected: yes.

NM_001080477.4(TENM3):c.3629+21G>A

Gene: TENM3 (teneurin transmembrane protein 3; plus strand). Cytogenetic location: 4q35.1.
Variant type: single nucleotide variant.
Coding change: c.3629+21G>A on transcript NM_001080477.4 (MANE Select); 21 bases into the intron after coding-DNA position 3629, G replaced by A.
Molecular consequence: intron variant.
Genome position (GRCh38, 1-based): chr4:182,743,440, G>A. VCF-style: chr4-182743440-G-A. GRCh37 (hg19) VCF-style: chr4-183664593-G-A.
Identifiers: ClinVar variation 677188 (VCV000677188.5), dbSNP rs7676674, ClinGen allele CA3148222.